The following is an entry in ClinVar:

ClinVar aggregate classification (germline): Uncertain significance (1 of 4 stars; one submission).

Conditions:
Fanconi anemia (FA). Also called: Fanconi's anemia. Identifiers: Orphanet 84, MedGen C0015625, MeSH D005199, MONDO:0019391.

Allele frequency attached by ClinVar (database versions not stated): gnomAD exomes below 0.00001; ExAC 0.00001.
gnomAD v4.1: 3 of 1,614,114 alleles (0.00019%); highest among the groups gnomAD compares: Admixed American, 0.0017%; no homozygotes.

Submission:

Labcorp Genetics (formerly Invitae), Labcorp
Classification: Uncertain significance for Fanconi anemia. Last evaluated: 2023-07-17. Review status: criteria provided, single submitter. Criteria: Invitae Variant Classification Sherloc (09022015). Collection method: clinical testing. Allele origin: germline.
Comment: In summary, the available evidence is currently insufficient to determine the role of this variant in disease. Therefore, it has been classified as a Variant of Uncertain Significance. Algorithms developed to predict the effect of missense changes on protein structure and function output the following: SIFT: "Not Available"; PolyPhen-2: "Benign"; Align-GVGD: "Not Available". The glutamic acid amino acid residue is found in multiple mammalian species, which suggests that this missense change does not adversely affect protein function. ClinVar contains an entry for this variant (Variation ID: 2418282). This variant has not been reported in the literature in individuals affected with SLX4-related conditions. This variant is present in population databases (rs758021932, gnomAD 0.003%). This sequence change replaces aspartic acid, which is acidic and polar, with glutamic acid, which is acidic and polar, at codon 33 of the SLX4 protein (p.Asp33Glu).

NM_032444.4(SLX4):c.99C>G (p.Asp33Glu)

Gene: SLX4 (SLX4 structure-specific endonuclease subunit; minus strand). Cytogenetic location: 16p13.3.
Variant type: single nucleotide variant.
Coding change: c.99C>G on transcript NM_032444.4 (MANE Select); coding-DNA position 99, C replaced by G.
Protein change: p.Asp33Glu; replaces aspartic acid 33 with glutamic acid.
Molecular consequence: missense variant.
Genome position (GRCh38, 1-based): chr16:3,608,866, G>C on the plus strand (C>G on the coding strand, the complement: SLX4 is on the minus strand). VCF-style: chr16-3608866-G-C. GRCh37 (hg19) VCF-style: chr16-3658867-G-C.
Other names: short protein forms D33E.
Identifiers: ClinVar variation 2418282 (VCV002418282.6), dbSNP rs758021932, ClinGen allele CA7866951.